The following is an entry in ClinVar:

ClinVar aggregate classification (germline): Uncertain significance (1 of 4 stars; one submission).

Conditions:
Aortic aneurysm, familial thoracic 7 (AAT7). Also called: AORTIC DISSECTION, FAMILIAL, WITH OR WITHOUT AORTIC ANEURYSM. Identifiers: MedGen C3151077, MONDO:0013418, OMIM 613780.

Submission:

Labcorp Genetics (formerly Invitae), Labcorp
Classification: Uncertain significance for Aortic aneurysm, familial thoracic 7. Last evaluated: 2023-05-03. Review status: criteria provided, single submitter. Criteria: Invitae Variant Classification Sherloc (09022015). Collection method: clinical testing. Allele origin: germline.
Comment: In summary, the available evidence is currently insufficient to determine the role of this variant in disease. Therefore, it has been classified as a Variant of Uncertain Significance. Advanced modeling of protein sequence and biophysical properties (such as structural, functional, and spatial information, amino acid conservation, physicochemical variation, residue mobility, and thermodynamic stability) performed at Invitae indicates that this missense variant is not expected to disrupt MYLK protein function. This variant has not been reported in the literature in individuals affected with MYLK-related conditions. This variant is not present in population databases (gnomAD no frequency). This sequence change replaces threonine, which is neutral and polar, with alanine, which is neutral and non-polar, at codon 1046 of the MYLK protein (p.Thr1046Ala).

NM_053025.4(MYLK):c.3136A>G (p.Thr1046Ala)

Gene: MYLK (myosin light chain kinase; minus strand). Cytogenetic location: 3q21.1.
Variant type: single nucleotide variant.
Coding change: c.3136A>G on transcript NM_053025.4 (MANE Select); coding-DNA position 3136, A replaced by G.
Protein change: p.Thr1046Ala; replaces threonine 1046 with alanine.
Molecular consequence: missense variant.
Genome position (GRCh38, 1-based): chr3:123,700,332, T>C on the plus strand (A>G on the coding strand, the complement: MYLK is on the minus strand). VCF-style: chr3-123700332-T-C. GRCh37 (hg19) VCF-style: chr3-123419179-T-C.
Other names: c.2608A>G, p.Thr870Ala (NM_001321309.2); c.2929A>G, p.Thr977Ala (NM_053026.4, NM_053028.4); c.3136A>G, p.Thr1046Ala (NM_053027.4); short protein forms T977A, T870A, T1046A.
Identifiers: ClinVar variation 2861892 (VCV002861892.3), dbSNP rs1414759889, ClinGen allele CA354229986.